The following is an entry in ClinVar:

NC_000005.10:g.112851081G>T

Variant type: single nucleotide variant.
Genome position: GRCh38 VCF-style: chr5-112851081-G-T. GRCh37 (hg19) VCF-style: chr5-112186778-G-T.
Identifiers: ClinVar variation 82677 (VCV000082677.3), dbSNP rs76292134, ClinGen allele CA250817.

ClinVar aggregate classification (germline): other (0 of 4 stars; one submission).

Conditions:
Familial colorectal cancer. Identifiers: MedGen CN280943, MONDO:0023113. Disease mechanism: loss of function.

Submission:

Systems Biology Platform Zhejiang California International NanoSystems Institute
Classification: other for Familial colorectal cancer. Review status: no assertion criteria provided. Collection method: not provided. Allele origin: unknown.
ClinVar note: Converted during submission from cancer to other.